The following is an entry in ClinVar:

ClinVar aggregate classification (germline): Uncertain significance (1 of 4 stars; one submission).

Submission:

Labcorp Genetics (formerly Invitae), Labcorp
Classification: Uncertain significance. Last evaluated: 2024-01-23. Review status: criteria provided, single submitter. Criteria: Invitae Variant Classification Sherloc (09022015). Collection method: clinical testing. Allele origin: germline.
Comment: This sequence change replaces valine, which is neutral and non-polar, with isoleucine, which is neutral and non-polar, at codon 14 of the ADGRE2 protein (p.Val14Ile). This variant is not present in population databases (gnomAD no frequency). This variant has not been reported in the literature in individuals affected with ADGRE2-related conditions. An algorithm developed to predict the effect of missense changes on protein structure and function (PolyPhen-2) suggests that this variant is likely to be tolerated. In summary, the available evidence is currently insufficient to determine the role of this variant in disease. Therefore, it has been classified as a Variant of Uncertain Significance.

NM_013447.4(ADGRE2):c.40G>A (p.Val14Ile)

Gene: ADGRE2 (adhesion G protein-coupled receptor E2; minus strand). Cytogenetic location: 19p13.12.
Variant type: single nucleotide variant.
Coding change: c.40G>A on transcript NM_013447.4 (MANE Select); coding-DNA position 40, G replaced by A.
Protein change: p.Val14Ile; replaces valine 14 with isoleucine.
Molecular consequence: missense variant.
Genome position (GRCh38, 1-based): chr19:14,774,298, C>T on the plus strand (G>A on the coding strand, the complement: ADGRE2 is on the minus strand). VCF-style: chr19-14774298-C-T. GRCh37 (hg19) VCF-style: chr19-14885110-C-T.
Other names: c.40G>A, p.Val14Ile (NM_001271052.1, NM_152916.2, NM_152917.2); short protein forms V14I.
Identifiers: ClinVar variation 2710923 (VCV002710923.3), dbSNP rs2044335225, ClinGen allele CA404465911.